The following is an entry in ClinVar:

NM_002439.5(MSH3):c.3111_3113del (p.Asp1037del)

Gene: MSH3 (mutS homolog 3; plus strand). Cytogenetic location: 5q14.1.
Variant type: Deletion.
Coding change: c.3111_3113del on transcript NM_002439.5 (MANE Select); coding-DNA positions 3111 to 3113, 3 bases deleted (TGA; older notation c.3111_3113delTGA).
Protein change: p.Asp1037del; deletes aspartic acid 1037.
Molecular consequence: inframe deletion.
Genome position (GRCh38, 1-based): chr5:80,864,923-80,864,925, TGA deleted; deleting any 3 consecutive bases within chr5:80,864,921-80,864,925 gives the same sequence; the c. name uses the placement nearest the transcript's 3' end. VCF-style (leftmost placement, unchanged base first): chr5-80864920-GGAT-G. GRCh37 (hg19) VCF-style: chr5-80160739-GGAT-G.
Other names: short protein forms D1037del.
Identifiers: ClinVar variation 1727751 (VCV001727751.7), dbSNP rs2478789375, ClinGen allele CA1139770415.
Genomic context (GRCh38, chr5:80,864,920, plus strand): 5'-ACTAGAAAAAAATTACTCACACCAGGTGGGGAATTACCACATGGGATTCTTGGTCAGTGA[GGAT>G]GAAAGCAAACTGGATCCAGGTATGAAATATTCCTGCAGTTGGTACAAATATTGGTTTTCA-3'

ClinVar aggregate classification (germline): Uncertain significance. Review status: criteria provided, multiple submitters, no conflicts (2 of 4 stars). 2 submissions from 2 submitters: Uncertain significance (2). Last evaluated 2023-02-11.

Conditions:
Hereditary cancer-predisposing syndrome. Also called: Tumor predisposition; Neoplastic Syndromes, Hereditary; Hereditary Cancer Syndrome; Hereditary neoplastic syndrome. Identifiers: Orphanet 140162, MedGen C0027672, MeSH D009386, MONDO:0015356.

Submissions (2):

Labcorp Genetics (formerly Invitae), Labcorp
Classification: Uncertain significance. Last evaluated: 2023-02-11. Review status: criteria provided, single submitter. Criteria: Invitae Variant Classification Sherloc (09022015). Collection method: clinical testing. Allele origin: germline.
Comment: This variant, c.3111_3113del, results in the deletion of 1 amino acid(s) of the MSH3 protein (p.Asp1037del), but otherwise preserves the integrity of the reading frame. This variant is not present in population databases (gnomAD no frequency). This variant has not been reported in the literature in individuals affected with MSH3-related conditions. ClinVar contains an entry for this variant (Variation ID: 1727751). Experimental studies and prediction algorithms are not available or were not evaluated, and the functional significance of this variant is currently unknown. In summary, the available evidence is currently insufficient to determine the role of this variant in disease. Therefore, it has been classified as a Variant of Uncertain Significance.

Ambry Genetics
Classification: Uncertain significance for Hereditary cancer-predisposing syndrome. Last evaluated: 2022-01-13. Review status: criteria provided, single submitter. Criteria: Ambry Variant Classification Scheme 2023. Collection method: clinical testing. Allele origin: germline.
Comment: The c.3111_3113delTGA variant (also known as p.D1037del) is located in coding exon 22 of the MSH3 gene. This variant results from an in-frame TGA deletion at nucleotide positions 3111 to 3113. This results in the in-frame deletion of an aspartic acid at codon 1037. This amino acid position is not well conserved in available vertebrate species. In addition, the in silico prediction for this alteration is inconclusive (Choi Y et al. PLoS ONE. 2012; 7(10):e46688). Since supporting evidence is limited at this time, the clinical significance of this alteration remains unclear.